The following is an entry in ClinVar:

NM_203446.3(SYNJ1):c.2111T>G (p.Phe704Cys)

Gene: SYNJ1 (synaptojanin 1; minus strand). Cytogenetic location: 21q22.11.
Variant type: single nucleotide variant.
Coding change: c.2111T>G on transcript NM_203446.3 (MANE Select); coding-DNA position 2111, T replaced by G.
Protein change: p.Phe704Cys; replaces phenylalanine 704 with cysteine.
Molecular consequence: missense variant.
Genome position (GRCh38, 1-based): chr21:32,665,977, A>C on the plus strand (T>G on the coding strand, the complement: SYNJ1 is on the minus strand). VCF-style: chr21-32665977-A-C. GRCh37 (hg19) VCF-style: chr21-34038287-A-C.
Other names: c.2111T>G, p.Phe704Cys (NM_001160302.2); c.2096T>G, p.Phe699Cys (NM_001160306.2); c.2228T>G, p.Phe743Cys (NM_003895.4); short protein forms F743C, F699C, F704C.
Identifiers: ClinVar variation 2132193 (VCV002132193.4), dbSNP rs2517631867, ClinGen allele CA410079133.

ClinVar aggregate classification (germline): Uncertain significance (1 of 4 stars; one submission).

Conditions:
Developmental and epileptic encephalopathy, 53. Also called: Epileptic encephalopathy, early infantile, 53. Identifiers: MedGen C4479313, MONDO:0033362, OMIM 617389.
Early-onset Parkinson disease 20. Also called: PARKINSON DISEASE 20, AUTOSOMAL RECESSIVE EARLY-ONSET. Identifiers: Orphanet 391411, MedGen C3809824, MONDO:0014233, OMIM 615530.

Submission:

Labcorp Genetics (formerly Invitae), Labcorp
Classification: Uncertain significance for Developmental and epileptic encephalopathy, 53; Early-onset Parkinson disease 20. Last evaluated: 2023-12-18. Review status: criteria provided, single submitter. Criteria: Invitae Variant Classification Sherloc (09022015). Collection method: clinical testing. Allele origin: germline.
Comment: This sequence change replaces phenylalanine, which is neutral and non-polar, with cysteine, which is neutral and slightly polar, at codon 743 of the SYNJ1 protein (p.Phe743Cys). This variant is not present in population databases (gnomAD no frequency). This variant has not been reported in the literature in individuals affected with SYNJ1-related conditions. ClinVar contains an entry for this variant (Variation ID: 2132193). Advanced modeling of protein sequence and biophysical properties (such as structural, functional, and spatial information, amino acid conservation, physicochemical variation, residue mobility, and thermodynamic stability) performed at Invitae indicates that this missense variant is expected to disrupt SYNJ1 protein function with a positive predictive value of 80%. In summary, the available evidence is currently insufficient to determine the role of this variant in disease. Therefore, it has been classified as a Variant of Uncertain Significance.